The following is an entry in ClinVar:

NM_004655.4(AXIN2):c.61G>T (p.Ala21Ser)

Gene: AXIN2 (axin 2; minus strand). Cytogenetic location: 17q24.1.
Variant type: single nucleotide variant.
Coding change: c.61G>T on transcript NM_004655.4 (MANE Select); coding-DNA position 61, G replaced by T.
Protein change: p.Ala21Ser; replaces alanine 21 with serine.
Molecular consequence: missense variant.
Genome position (GRCh38, 1-based): chr17:65,558,560, C>A on the plus strand (G>T on the coding strand, the complement: AXIN2 is on the minus strand). VCF-style: chr17-65558560-C-A. GRCh37 (hg19) VCF-style: chr17-63554678-C-A.
Other names: c.61G>T, p.Ala21Ser (NM_001363813.1); short protein forms A21S.
Identifiers: ClinVar variation 2118304 (VCV002118304.4), dbSNP rs2144591783, ClinGen allele CA400682317.

ClinVar aggregate classification (germline): Uncertain significance (1 of 4 stars; one submission).

Conditions:
Oligodontia-cancer predisposition syndrome. Also called: TOOTH AGENESIS-COLORECTAL CANCER SYNDROME. Identifiers: Orphanet 300576, MedGen C1837750, MONDO:0012075, OMIM 608615. Disease mechanism: loss of function.

Submission:

Labcorp Genetics (formerly Invitae), Labcorp
Classification: Uncertain significance for Oligodontia-cancer predisposition syndrome. Last evaluated: 2024-06-28. Review status: criteria provided, single submitter. Criteria: Invitae Variant Classification Sherloc (09022015). Collection method: clinical testing. Allele origin: germline.
Comment: This sequence change replaces alanine, which is neutral and non-polar, with serine, which is neutral and polar, at codon 21 of the AXIN2 protein (p.Ala21Ser). This variant is not present in population databases (gnomAD no frequency). This variant has not been reported in the literature in individuals affected with AXIN2-related conditions. ClinVar contains an entry for this variant (Variation ID: 2118304). Advanced modeling of protein sequence and biophysical properties (such as structural, functional, and spatial information, amino acid conservation, physicochemical variation, residue mobility, and thermodynamic stability) performed at Invitae indicates that this missense variant is not expected to disrupt AXIN2 protein function with a negative predictive value of 80%. In summary, the available evidence is currently insufficient to determine the role of this variant in disease. Therefore, it has been classified as a Variant of Uncertain Significance.